The following is an entry in ClinVar:

NM_013372.7(GREM1):c.173G>A (p.Arg58Gln)

Gene: GREM1 (gremlin 1, DAN family BMP antagonist; plus strand). Cytogenetic location: 15q13.3.
Variant type: single nucleotide variant.
Coding change: c.173G>A on transcript NM_013372.7 (MANE Select); coding-DNA position 173, G replaced by A.
Protein change: p.Arg58Gln; replaces arginine 58 with glutamine.
Molecular consequence: missense variant. On other transcripts: intron variant (2).
Genome position (GRCh38, 1-based): chr15:32,730,863, G>A. VCF-style: chr15-32730863-G-A. GRCh37 (hg19) VCF-style: chr15-33023064-G-A.
Other names: c.173G>A, p.Arg58Gln (NM_001368719.1); c.114+59G>A (NM_001191323.2); c.28-65G>A (NM_001191322.2); short protein forms R58Q.
Identifiers: ClinVar variation 3522506 (VCV003522506.1).

ClinVar aggregate classification (germline): Uncertain significance (1 of 4 stars; one submission).

Conditions:
Hereditary cancer-predisposing syndrome. Also called: Hereditary Cancer Syndrome; Hereditary neoplastic syndrome; Tumor predisposition; Neoplastic Syndromes, Hereditary. Identifiers: Orphanet 140162, MedGen C0027672, MeSH D009386, MONDO:0015356.

Submission:

Ambry Genetics
Classification: Uncertain significance for Hereditary cancer-predisposing syndrome. Last evaluated: 2024-07-09. Review status: criteria provided, single submitter. Criteria: Ambry Variant Classification Scheme 2023. Collection method: clinical testing. Allele origin: germline.
Comment: The p.R58Q variant (also known as c.173G>A), located in coding exon 1 of the GREM1 gene, results from a G to A substitution at nucleotide position 173. The arginine at codon 58 is replaced by glutamine, an amino acid with highly similar properties. This amino acid position is conserved. In addition, this alteration is predicted to be tolerated by in silico analysis. Based on the available evidence, the clinical significance of this variant remains unclear.